The following is an entry in ClinVar:

ClinVar aggregate classification (germline): Uncertain significance (1 of 4 stars; one submission).

gnomAD v4.1: 10 of 1,614,282 alleles (0.00062%); highest among the groups gnomAD compares: African/African-American, 0.0027%; no homozygotes.

Submission:

CeGaT Center for Human Genetics Tuebingen
Classification: Uncertain significance. Last evaluated: 2025-10-01. Review status: criteria provided, single submitter. Criteria: CeGaT Center For Human Genetics Tuebingen Variant Classification Criteria Version 2. Collection method: clinical testing. Allele origin: germline. Affected: yes. Observed: 1 variant allele.
Comment: OTOF: PM2

NM_194248.3(OTOF):c.4766G>A (p.Arg1589His)

Gene: OTOF (otoferlin; minus strand). Cytogenetic location: 2p23.3.
Variant type: single nucleotide variant.
Coding change: c.4766G>A on transcript NM_194248.3 (MANE Select); coding-DNA position 4766, G replaced by A.
Protein change: p.Arg1589His; replaces arginine 1589 with histidine.
Molecular consequence: missense variant.
Genome position (GRCh38, 1-based): chr2:26,465,705, C>T on the plus strand (G>A on the coding strand, the complement: OTOF is on the minus strand). VCF-style: chr2-26465705-C-T. GRCh37 (hg19) VCF-style: chr2-26688573-C-T.
Other names: c.4766G>A, p.Arg1589His (NM_001287489.2); c.2465G>A, p.Arg822His (NM_004802.4, NM_194323.3); c.2696G>A, p.Arg899His (NM_194322.3); short protein forms R1589H, R822H, R899H.
Identifiers: ClinVar variation 4534657 (VCV004534657.6).